The following is an entry in ClinVar:

NM_000018.4(ACADVL):c.139-1G>T

Gene: ACADVL (acyl-CoA dehydrogenase very long chain; plus strand). Cytogenetic location: 17p13.1.
Variant type: single nucleotide variant.
Coding change: c.139-1G>T on transcript NM_000018.4 (MANE Select); the canonical splice acceptor site of the intron before coding-DNA position 139, G replaced by T.
Molecular consequence: splice acceptor variant. On other transcripts: intron variant (1).
Genome position (GRCh38, 1-based): chr17:7,220,463, G>T. VCF-style: chr17-7220463-G-T. GRCh37 (hg19) VCF-style: chr17-7123782-G-T.
Other names: c.208-1G>T (NM_001270447.2); c.-90-1G>T (NM_001270448.2); c.139-141G>T (NM_001033859.3).
Identifiers: ClinVar variation 646698 (VCV000646698.8), dbSNP rs1597518019, ClinGen allele CA397722170.

ClinVar aggregate classification (germline): Likely pathogenic. Review status: criteria provided, multiple submitters, no conflicts (2 of 4 stars). 2 submissions from 2 submitters: Likely pathogenic (2). Last evaluated 2023-09-05.

Conditions:
Very long chain acyl-CoA dehydrogenase deficiency (ACADVLD). Also called: Very Long-Chain Acyl-Coenzyme A Dehydrogenase Deficiency; VLCAD Deficiency. Identifiers: Orphanet 26793, MedGen C3887523, MONDO:0008723, OMIM 201475.

Allele frequency attached by ClinVar (database versions not stated): gnomAD exomes below 0.00001.
gnomAD v4.1: 1 of 1,614,220 alleles (0.000062%); highest among the groups gnomAD compares: Non-Finnish European, 0.000085%; no homozygotes.

Submissions (2):

Baylor Genetics
Classification: Likely pathogenic for Very long chain acyl-CoA dehydrogenase deficiency. Last evaluated: 2023-09-05. Review status: criteria provided, single submitter. Criteria: ACMG Guidelines, 2015. Collection method: clinical testing. Allele origin: unknown.

Labcorp Genetics (formerly Invitae), Labcorp
Classification: Likely pathogenic for Very long chain acyl-CoA dehydrogenase deficiency. Last evaluated: 2018-10-02. Review status: criteria provided, single submitter. Criteria: Invitae Variant Classification Sherloc (09022015). Collection method: clinical testing. Allele origin: germline.
Comment: In summary, the currently available evidence indicates that the variant is pathogenic, but additional data are needed to prove that conclusively. Therefore, this variant has been classified as Likely Pathogenic. Donor and acceptor splice site variants typically lead to a loss of protein function (PMID: 16199547), and loss-of-function variants in ACADVL are known to be pathogenic (PMID: 9973285, 11590124). Algorithms developed to predict the effect of sequence changes on RNA splicing suggest that this variant may disrupt the consensus splice site, but this prediction has not been confirmed by published transcriptional studies. This variant has not been reported in the literature in individuals with ACADVL-related disease. This variant is not present in population databases (ExAC no frequency). This sequence change affects an acceptor splice site in intron 2 of the ACADVL gene. It is expected to disrupt RNA splicing and likely results in an absent or disrupted protein product.

Literature cited by the submitters: PubMed 16199547 (cited by Labcorp Genetics (formerly Invitae), Labcorp); PubMed 9973285 (cited by Labcorp Genetics (formerly Invitae), Labcorp); PubMed 11590124 (cited by Labcorp Genetics (formerly Invitae), Labcorp).